The following is an entry in ClinVar:

ClinVar aggregate classification (germline): Uncertain significance. Review status: criteria provided, multiple submitters, no conflicts (2 of 4 stars). 2 submissions from 2 submitters: Uncertain significance (2). Last evaluated 2025-02-25.

Allele frequency attached by ClinVar (database versions not stated): TOPMed below 0.00001; gnomAD 0.00001; gnomAD exomes 0.00002.
gnomAD v4.1: 16 of 1,614,060 alleles (0.00099%); highest among the groups gnomAD compares: Non-Finnish European, 0.0014%; no homozygotes.

Submissions (2):

GeneDx
Classification: Uncertain significance. Last evaluated: 2025-02-25. Review status: criteria provided, single submitter. Criteria: GeneDx Variant Classification Process June 2021. Collection method: clinical testing. Allele origin: germline. Affected: yes.
Comment: Not observed at significant frequency in large population cohorts (gnomAD); In silico analysis supports that this missense variant has a deleterious effect on protein structure/function; Has not been previously published as pathogenic or benign to our knowledge

Eurofins Ntd Llc (ga)
Classification: Uncertain significance. Last evaluated: 2018-03-27. Review status: criteria provided, single submitter. Criteria: EGL ClinVar v180209 classification definitions. Collection method: clinical testing. Allele origin: germline. Observed: 1 variant allele, 1 heterozygote.

NM_015570.4(AUTS2):c.1546C>T (p.Pro516Ser)

Gene: AUTS2 (activator of transcription and developmental regulator AUTS2; plus strand). Cytogenetic location: 7q11.22.
Variant type: single nucleotide variant.
Coding change: c.1546C>T on transcript NM_015570.4 (MANE Select); coding-DNA position 1546, C replaced by T.
Protein change: p.Pro516Ser; replaces proline 516 with serine.
Molecular consequence: missense variant.
Genome position (GRCh38, 1-based): chr7:70,766,191, C>T. VCF-style: chr7-70766191-C-T. GRCh37 (hg19) VCF-style: chr7-70231177-C-T.
Other names: c.1546C>T, p.Pro516Ser (NM_001127231.3); c.1546C>T (NM_015570.2); short protein forms P516S.
Identifiers: ClinVar variation 594827 (VCV000594827.6), dbSNP rs1445762479, ClinGen allele CA367668806.